The following is an entry in ClinVar:

ClinVar aggregate classification (germline): Pathogenic (1 of 4 stars; one submission).

Submission:

GeneDx
Classification: Pathogenic. Last evaluated: 2026-09-03. Review status: criteria provided, single submitter. Criteria: GeneDx Variant Classification Process June 2021. Collection method: clinical testing. Allele origin: germline.
Comment: Canonical splice site variant predicted to result in a null allele in a gene for which loss of function is a known mechanism of disease; Not observed at significant frequency in large population cohorts (gnomAD); This variant is associated with the following publications: (PMID: 29215649)

NM_207037.2(TCF12):c.825+1G>A

Gene: TCF12 (transcription factor 12; plus strand). Cytogenetic location: 15q21.3.
Variant type: single nucleotide variant.
Coding change: c.825+1G>A on transcript NM_207037.2 (MANE Select); the canonical splice donor site of the intron after coding-DNA position 825, G replaced by A.
Molecular consequence: splice donor variant. On other transcripts: intron variant (1).
Genome position (GRCh38, 1-based): chr15:57,232,431, G>A. VCF-style: chr15-57232431-G-A. GRCh37 (hg19) VCF-style: chr15-57524629-G-A.
Other names: c.825+1G>A (NM_001322151.2, NM_001322159.3, NM_001322157.3 and 7 more transcripts); c.651+1G>A (NM_001322156.2, NM_001322158.2); c.168+1G>A (NM_001322154.2); c.861+1G>A (NM_001322164.2); c.315+1G>A (NM_001306219.3, NM_207040.2); c.118-281G>A (NM_001306220.3).
Identifiers: ClinVar variation 1328799 (VCV001328799.4), dbSNP rs2151924005, ClinGen allele CA392592442.